The following is an entry in ClinVar:

NM_014000.3(VCL):c.1637A>G (p.Asp546Gly)

Gene: VCL (vinculin; plus strand). Cytogenetic location: 10q22.2.
Variant type: single nucleotide variant.
Coding change: c.1637A>G on transcript NM_014000.3 (MANE Select); coding-DNA position 1637, A replaced by G.
Protein change: p.Asp546Gly; replaces aspartic acid 546 with glycine.
Molecular consequence: missense variant.
Genome position (GRCh38, 1-based): chr10:74,095,749, A>G. VCF-style: chr10-74095749-A-G. GRCh37 (hg19) VCF-style: chr10-75855507-A-G.
Other names: c.1637A>G, p.Asp546Gly (NM_003373.4); short protein forms D546G.
Identifiers: ClinVar variation 1046521 (VCV001046521.5), dbSNP rs1274067747, ClinGen allele CA377274742.

ClinVar aggregate classification (germline): Uncertain significance (1 of 4 stars; one submission).

Conditions:
Dilated cardiomyopathy 1W (CMD1W). Identifiers: Orphanet 154, MedGen C1969639, MONDO:0012667, OMIM 611407.

Submission:

Labcorp Genetics (formerly Invitae), Labcorp
Classification: Uncertain significance for Dilated cardiomyopathy 1W. Last evaluated: 2022-02-08. Review status: criteria provided, single submitter. Criteria: Invitae Variant Classification Sherloc (09022015). Collection method: clinical testing. Allele origin: germline.
Comment: This sequence change replaces aspartic acid, which is acidic and polar, with glycine, which is neutral and non-polar, at codon 546 of the VCL protein (p.Asp546Gly). This variant is not present in population databases (gnomAD no frequency). This variant has not been reported in the literature in individuals affected with VCL-related conditions. ClinVar contains an entry for this variant (Variation ID: 1046521). Algorithms developed to predict the effect of missense changes on protein structure and function are either unavailable or do not agree on the potential impact of this missense change (SIFT: "Not Available"; PolyPhen-2: "Possibly Damaging"; Align-GVGD: "Not Available"). In summary, the available evidence is currently insufficient to determine the role of this variant in disease. Therefore, it has been classified as a Variant of Uncertain Significance.